The following is an entry in ClinVar:

NM_001164508.2(NEB):c.19283_19284del (p.His6428fs)

Gene: NEB (nebulin; minus strand). Cytogenetic location: 2q23.3.
Variant type: Microsatellite.
Coding change: c.19283_19284del on transcript NM_001164508.2 (MANE Select); coding-DNA positions 19283 to 19284, 2 bases deleted (AC; older notation c.19283_19284delAC).
Protein change: p.His6428fs; shifts the reading frame from histidine 6428.
Molecular consequence: frameshift variant.
Genome position (GRCh38, 1-based): chr2:151,560,622-151,560,623, GT deleted on the plus strand (AC on the coding strand, the reverse complement: NEB is on the minus strand); deleting any 2 consecutive bases within chr2:151,560,622-151,560,627 gives the same sequence; the c. name uses the placement nearest the transcript's 3' end. VCF-style (leftmost placement, unchanged base first): chr2-151560621-CGT-C. GRCh37 (hg19) VCF-style: chr2-152417135-CGT-C.
Other names: c.19283_19284del, p.His6428fs (NM_001164507.2, NM_001271208.2); c.14180_14181del, p.His4727fs (NM_004543.5); short protein forms H4727fs, H6428fs.
Identifiers: ClinVar variation 2754563 (VCV002754563.3), dbSNP rs2552188977, ClinGen allele CA2697551115.

ClinVar aggregate classification (germline): Pathogenic (1 of 4 stars; one submission).

Conditions:
Nemaline myopathy 2 (NEM2). Also called: Nemaline myopathy 2, autosomal recessive. Identifiers: MedGen C1850569, MONDO:0009725, OMIM 256030.

Submission:

Labcorp Genetics (formerly Invitae), Labcorp
Classification: Pathogenic for Nemaline myopathy 2. Last evaluated: 2023-08-23. Review status: criteria provided, single submitter. Criteria: Invitae Variant Classification Sherloc (09022015). Collection method: clinical testing. Allele origin: germline.
Comment: This sequence change creates a premature translational stop signal (p.His6428Argfs*18) in the NEB gene. It is expected to result in an absent or disrupted protein product. Loss-of-function variants in NEB are known to be pathogenic (PMID: 25205138). This variant is not present in population databases (gnomAD no frequency). This variant has not been reported in the literature in individuals affected with NEB-related conditions. For these reasons, this variant has been classified as Pathogenic.

Literature cited by the submitters: PubMed 25205138.